The following is an entry in ClinVar:

NM_001148.6(ANK2):c.694-3T>C

Gene: ANK2 (ankyrin 2; plus strand). Cytogenetic location: 4q26.
Variant type: single nucleotide variant.
Coding change: c.694-3T>C on transcript NM_001148.6 (MANE Select); 3 bases into the intron before coding-DNA position 694, T replaced by C.
Molecular consequence: intron variant.
Genome position (GRCh38, 1-based): chr4:113,240,482, T>C. VCF-style: chr4-113240482-T-C. GRCh37 (hg19) VCF-style: chr4-114161638-T-C.
Other names: c.682-3T>C (NM_001386186.2, NM_001386148.2, NM_001354269.3); c.658-3T>C (NM_001386187.2); c.652-3T>C (NM_001386147.1, NM_001386160.1, NM_001354261.2); c.631-3T>C (NM_001354254.2, NM_001354239.2, NM_001354252.2 and 14 more transcripts); c.607-3T>C (NM_001354249.2, NM_001354266.2, NM_001354276.2 and 16 more transcripts); c.739-3T>C (NM_001354241.2, NM_001386152.1, NM_001354237.2 and 5 more transcripts); c.694-3T>C (NM_001354225.2, NM_001354235.2, NM_001354246.2 and 9 more transcripts); c.745-3T>C (NM_001386174.1); and 1 more.
Identifiers: ClinVar variation 2227635 (VCV002227635.2), dbSNP rs2490844411, ClinGen allele CA2580071377.

ClinVar aggregate classification (germline): Uncertain significance (1 of 4 stars; one submission).

Conditions:
Cardiovascular phenotype. Identifiers: MedGen CN230736.

Allele frequency attached by ClinVar (database versions not stated): gnomAD exomes below 0.00001.
gnomAD v4.1: 2 of 1,611,062 alleles (0.00012%); highest among the groups gnomAD compares: South Asian, 0.0022%; no homozygotes.

Submission:

Ambry Genetics
Classification: Uncertain significance for Cardiovascular phenotype. Last evaluated: 2022-03-10. Review status: criteria provided, single submitter. Criteria: Ambry Variant Classification Scheme 2023. Collection method: clinical testing. Allele origin: germline.
Comment: The c.694-3T>C intronic alteration results from a T to C substitution 3 nucleotides before coding exon 8 of the ANK2 gene. This variant was not reported in population-based cohorts in the Genome Aggregation Database (gnomAD). This nucleotide position is not well conserved in available vertebrate species. In silico splice site analysis predicts that this alteration will not have any significant effect on splicing. Based on insufficient or conflicting evidence, the clinical significance of this alteration remains unclear.